The following is an entry in ClinVar:

NM_002890.3(RASA1):c.2131C>T (p.Arg711Ter)

Genes: CCNH (cyclin H; minus strand), RASA1 (RAS p21 protein activator 1; plus strand). Cytogenetic location: 5q14.3.
Variant type: single nucleotide variant.
Coding change: c.2131C>T on transcript NM_002890.3 (MANE Select); coding-DNA position 2131, C replaced by T.
Protein change: p.Arg711Ter; replaces arginine 711 with a stop codon.
Molecular consequence: nonsense. On other transcripts: intron variant (1).
Genome position (GRCh38, 1-based): chr5:87,376,512, C>T. VCF-style: chr5-87376512-C-T. GRCh37 (hg19) VCF-style: chr5-86672329-C-T.
Other names: p.R711*:CGA>TGA; c.1600C>T, p.Arg534Ter (NM_022650.3); c.933+18532G>A (NM_001364075.2); short protein forms R711*, R534*.
Identifiers: ClinVar variation 213660 (VCV000213660.46), dbSNP rs863223718, ClinGen allele CA320855.

ClinVar aggregate classification (germline): Pathogenic. Review status: criteria provided, multiple submitters, no conflicts (2 of 4 stars). 6 submissions from 6 submitters: Pathogenic (6). Last evaluated 2025-10-01.

Conditions:
Basal cell carcinoma, susceptibility to, 1. Also called: BCC1. Identifiers: MedGen C2751544, MONDO:0011556, OMIM 605462.
Capillary malformation-arteriovenous malformation 1 (CMAVM1). Identifiers: Orphanet 137667, Orphanet 693907, MedGen C4747394, MONDO:0020783, OMIM 608354.
Capillary malformation-arteriovenous malformation syndrome. Also called: Capillary malformation-arteriovenous malformation. Identifiers: Orphanet 137667, MedGen C1842180, MONDO:0012016.
Cardiovascular phenotype. Identifiers: MedGen CN230736.

Allele frequency attached by ClinVar (database versions not stated): gnomAD exomes below 0.00001.
gnomAD v4.1: 2 of 1,613,770 alleles (0.00012%); highest among the groups gnomAD compares: Non-Finnish European, 0.00017%; no homozygotes.

Submissions (6):

Labcorp Genetics (formerly Invitae), Labcorp
Classification: Pathogenic for Capillary malformation-arteriovenous malformation syndrome. Last evaluated: 2025-10-01. Review status: criteria provided, single submitter. Criteria: Invitae Variant Classification Sherloc (09022015). Collection method: clinical testing. Allele origin: germline.
Comment: This sequence change creates a premature translational stop signal (p.Arg711*) in the RASA1 gene. It is expected to result in an absent or disrupted protein product. Loss-of-function variants in RASA1 are known to be pathogenic (PMID: 24038909). This variant is not present in population databases (gnomAD no frequency). This premature translational stop signal has been observed in individual(s) with capillary malformations and arteriovenous malformations (PMID: 24038909). It has also been observed to segregate with disease in related individuals. ClinVar contains an entry for this variant (Variation ID: 213660). For these reasons, this variant has been classified as Pathogenic.

Ambry Genetics
Classification: Pathogenic for Cardiovascular phenotype. Last evaluated: 2025-05-27. Review status: criteria provided, single submitter. Criteria: Ambry Variant Classification Scheme 2023. Collection method: clinical testing. Allele origin: germline.
Comment: The c.2131C>T (p.R711*) alteration, located in exon 16 (coding exon 16) of the RASA1 gene, consists of a C to T substitution at nucleotide position 2131. This changes the amino acid from an arginine (R) to a stop codon at amino acid position 711. This alteration is expected to result in loss of function by premature protein truncation or nonsense-mediated mRNA decay. This variant was not reported in population-based cohorts in the Genome Aggregation Database (gnomAD). This variant was reported in individual(s) with features consistent with RASA1-related capillary malformation-arteriovenous malformation (Revencu, 2013). Based on the available evidence, this alteration is classified as pathogenic.

Dasa
Classification: Pathogenic. Last evaluated: 2025-04-11. Review status: criteria provided, single submitter. Criteria: DASA Assertion Criteria. Collection method: clinical testing. Allele origin: germline.
Comment: NM_002890.3(RASA1):c.2131C>T (p.Arg711*) introduces a premature termination codon predicted to result in loss of function. Loss-of-function is an established mechanism of disease for this gene. The variant has been reported in individuals with capillary malformation–arteriovenous malformation (PMID: 24038909) and is present at very low frequency in population datasets. Based on the available data, this variant is classified as pathogenic.

Fulgent Genetics
Classification: Pathogenic for Basal cell carcinoma, susceptibility to, 1; Capillary malformation-arteriovenous malformation 1. Last evaluated: 2022-01-12. Review status: criteria provided, single submitter. Criteria: ACMG Guidelines, 2015. Collection method: clinical testing. Allele origin: unknown.

CeGaT Center for Human Genetics Tuebingen
Classification: Pathogenic. Last evaluated: 2021-09-01. Review status: criteria provided, single submitter. Criteria: CeGaT Center For Human Genetics Tuebingen Variant Classification Criteria Version 2. Collection method: clinical testing. Allele origin: germline. Affected: yes. Observed: 1 variant allele.

GeneDx
Classification: Pathogenic. Last evaluated: 2020-09-01. Review status: criteria provided, single submitter. Criteria: GeneDx Variant Classification Process June 2021. Collection method: clinical testing. Allele origin: germline. Affected: yes.
Comment: Nonsense variant predicted to result in protein truncation or nonsense mediated decay in a gene for which loss-of-function is a known mechanism of disease; Not observed in large population cohorts (Lek et al., 2016); Identified in individuals with capillary malformation-arteriovenous malformation in published literature (Revencu et al., 2013); This variant is associated with the following publications: (PMID: 24038909, 25040287, 29891884, 30635911)

Literature cited by the submitters: PubMed 24038909 (cited by 3 submitters); PubMed 18446851 (cited by Ambry Genetics).